The following is an entry in ClinVar:

NM_001429.4(EP300):c.6793C>T (p.Leu2265Phe)

Gene: EP300 (EP300 lysine acetyltransferase; plus strand). Cytogenetic location: 22q13.2.
Variant type: single nucleotide variant.
Coding change: c.6793C>T on transcript NM_001429.4 (MANE Select); coding-DNA position 6793, C replaced by T.
Protein change: p.Leu2265Phe; replaces leucine 2265 with phenylalanine.
Molecular consequence: missense variant.
Genome position (GRCh38, 1-based): chr22:41,178,504, C>T. VCF-style: chr22-41178504-C-T. GRCh37 (hg19) VCF-style: chr22-41574508-C-T.
Other names: c.6715C>T, p.Leu2239Phe (NM_001362843.2); c.6793C>T (NM_001429.3); short protein forms L2239F, L2265F.
Identifiers: ClinVar variation 4078576 (VCV004078576.3).
Genomic context (GRCh38, chr22:41,178,504, plus strand): 5'-CTTCCCCAGGCCTTGGGAGCAGAGGCAGGTGCCAGTCTACAGGCCTATCAGCAGCGACTC[C>T]TTCAGCAACAGATGGGGTCCCCTGTTCAGCCCAACCCCATGAGCCCCCAGCAGCATATGC-3'
Protein context (NP_001420.2, residues 2255-2275): ASLQAYQQRL[Leu2265Phe]QQQMGSPVQP

ClinVar aggregate classification (germline): Conflicting classifications of pathogenicity. Review status: criteria provided, conflicting classifications (1 of 4 stars). 3 submissions from 3 submitters: Uncertain significance (2); Likely benign (1). Last evaluated 2026-09-25.

Conditions:
Rubinstein-Taybi syndrome due to EP300 haploinsufficiency. Also called: EP300-Related Rubinstein-Taybi Syndrome; RUBINSTEIN-TAYBI SYNDROME 2. Identifiers: Orphanet 353284, Orphanet 783, MedGen C3150941, MONDO:0013364, OMIM 613684.
EP300-related disorder. Also called: EP300-related condition; EP300-related disorders.

gnomAD v4.1: 6 of 1,613,972 alleles (0.00037%); highest among the groups gnomAD compares: African/African-American, 0.004%; no homozygotes.

Submissions (3):

PreventionGenetics, part of Exact Sciences
Classification: Uncertain significance for EP300-related condition. Last evaluated: 2026-09-25. Review status: criteria provided, single submitter. Criteria: ACMG Guidelines, 2015. Collection method: clinical testing. Allele origin: germline.
Comment: The EP300 c.6793C>T variant is predicted to result in the amino acid substitution p.Leu2265Phe. To our knowledge, this variant has not been reported in the literature. This variant is reported in 0.0062% of alleles in individuals of African descent in gnomAD. At this time, the clinical significance of this variant is uncertain due to the absence of conclusive functional and genetic evidence.

Labcorp Genetics (formerly Invitae), Labcorp
Classification: Likely benign for Rubinstein-Taybi syndrome due to EP300 haploinsufficiency. Last evaluated: 2025-12-02. Review status: criteria provided, single submitter. Criteria: Invitae Variant Classification Sherloc (09022015). Collection method: clinical testing. Allele origin: germline.

Revvity Omics, Revvity
Classification: Uncertain significance. Last evaluated: 2024-03-16. Review status: criteria provided, single submitter. Criteria: ACMG Guidelines, 2015. Collection method: clinical testing. Allele origin: germline.